The following is an entry in ClinVar:

NM_002470.4(MYH3):c.5267C>T (p.Ala1756Val)

Gene: MYH3 (myosin heavy chain 3; minus strand). Cytogenetic location: 17p13.1.
Variant type: single nucleotide variant.
Coding change: c.5267C>T on transcript NM_002470.4 (MANE Select); coding-DNA position 5267, C replaced by T.
Protein change: p.Ala1756Val; replaces alanine 1756 with valine.
Molecular consequence: missense variant.
Genome position (GRCh38, 1-based): chr17:10,631,630, G>A on the plus strand (C>T on the coding strand, the complement: MYH3 is on the minus strand). VCF-style: chr17-10631630-G-A. GRCh37 (hg19) VCF-style: chr17-10534947-G-A.
Other names: short protein forms A1756V.
Identifiers: ClinVar variation 1957848 (VCV001957848.5), dbSNP rs199863377, ClinGen allele CA287780014.

ClinVar aggregate classification (germline): Uncertain significance (1 of 4 stars; one submission).

Allele frequency attached by ClinVar (database versions not stated): gnomAD 0.00001; gnomAD exomes 0.00001; TOPMed 0.00001.
gnomAD v4.1: 19 of 1,614,010 alleles (0.0012%); highest among the groups gnomAD compares: Non-Finnish European, 0.0016%; no homozygotes.

Submission:

Labcorp Genetics (formerly Invitae), Labcorp
Classification: Uncertain significance. Last evaluated: 2024-01-11. Review status: criteria provided, single submitter. Criteria: Invitae Variant Classification Sherloc (09022015). Collection method: clinical testing. Allele origin: germline.
Comment: This sequence change replaces alanine, which is neutral and non-polar, with valine, which is neutral and non-polar, at codon 1756 of the MYH3 protein (p.Ala1756Val). This variant is not present in population databases (gnomAD no frequency). This variant has not been reported in the literature in individuals affected with MYH3-related conditions. ClinVar contains an entry for this variant (Variation ID: 1957848). Advanced modeling of protein sequence and biophysical properties (such as structural, functional, and spatial information, amino acid conservation, physicochemical variation, residue mobility, and thermodynamic stability) performed at Invitae indicates that this missense variant is not expected to disrupt MYH3 protein function with a negative predictive value of 95%. In summary, the available evidence is currently insufficient to determine the role of this variant in disease. Therefore, it has been classified as a Variant of Uncertain Significance.